The following is an entry in ClinVar:

ClinVar aggregate classification (germline): Uncertain significance (1 of 4 stars; one submission).

Conditions:
Andersen Tawil syndrome (LQT7). Also called: ANDERSEN CARDIODYSRHYTHMIC PERIODIC PARALYSIS; LONG QT SYNDROME 7; PERIODIC PARALYSIS, POTASSIUM-SENSITIVE CARDIODYSRHYTHMIC TYPE; Andersen Syndrome; Potassium-sensitive periodic paralysis, ventricular ectopy, and dysmorphic features. Identifiers: Orphanet 37553, MedGen C1563715, MONDO:0008222, OMIM 170390.
Short QT syndrome type 3. Identifiers: Orphanet 51083, MedGen C1865018, MONDO:0012314, OMIM 609622.

gnomAD v4.1: 2 of 1,613,986 alleles (0.00012%); highest among the groups gnomAD compares: African/African-American, 0.0027%; no homozygotes.

Submission:

Labcorp Genetics (formerly Invitae), Labcorp
Classification: Uncertain significance for Short QT syndrome type 3; Andersen Tawil syndrome. Last evaluated: 2025-09-20. Review status: criteria provided, single submitter. Criteria: Invitae Variant Classification Sherloc (09022015). Collection method: clinical testing. Allele origin: germline.
Comment: This sequence change replaces alanine, which is neutral and non-polar, with serine, which is neutral and polar, at codon 412 of the KCNJ2 protein (p.Ala412Ser). This variant is present in population databases (no rsID available, gnomAD 0.007%). This variant has not been reported in the literature in individuals affected with KCNJ2-related conditions. Invitae Evidence Modeling of protein sequence and biophysical properties (such as structural, functional, and spatial information, amino acid conservation, physicochemical variation, residue mobility, and thermodynamic stability) indicates that this missense variant is not expected to disrupt KCNJ2 protein function with a negative predictive value of 95%. In summary, the available evidence is currently insufficient to determine the role of this variant in disease. Therefore, it has been classified as a Variant of Uncertain Significance.

NM_000891.3(KCNJ2):c.1234G>T (p.Ala412Ser)

Gene: KCNJ2 (potassium inwardly rectifying channel subfamily J member 2; plus strand). Cytogenetic location: 17q24.3.
Variant type: single nucleotide variant.
Coding change: c.1234G>T on transcript NM_000891.3 (MANE Select); coding-DNA position 1234, G replaced by T.
Protein change: p.Ala412Ser; replaces alanine 412 with serine.
Molecular consequence: missense variant.
Genome position (GRCh38, 1-based): chr17:70,176,273, G>T. VCF-style: chr17-70176273-G-T. GRCh37 (hg19) VCF-style: chr17-68172414-G-T.
Other names: short protein forms A412S.
Identifiers: ClinVar variation 4788557 (VCV004788557.1).